The following is an entry in ClinVar:

ClinVar aggregate classification (germline): Pathogenic (1 of 4 stars; one submission).

Submission:

Labcorp Genetics (formerly Invitae), Labcorp
Classification: Pathogenic. Last evaluated: 2024-03-20. Review status: criteria provided, single submitter. Criteria: Invitae Variant Classification Sherloc (09022015). Collection method: clinical testing. Allele origin: germline.
Comment: This sequence change creates a premature translational stop signal (p.Ile322Leufs*55) in the TBCK gene. It is expected to result in an absent or disrupted protein product. Loss-of-function variants in TBCK are known to be pathogenic (PMID: 27040692, 30103036). This variant is not present in population databases (gnomAD no frequency). This variant has not been reported in the literature in individuals affected with TBCK-related conditions. For these reasons, this variant has been classified as Pathogenic.

Literature cited by the submitters: PubMed 27040692; PubMed 30103036.

NM_001163435.3(TBCK):c.963del (p.Ile322fs)

Gene: TBCK (TBC1 domain containing kinase; minus strand). Cytogenetic location: 4q24.
Variant type: Deletion.
Coding change: c.963del on transcript NM_001163435.3 (MANE Select); coding-DNA position 963, one base deleted (T; older notation c.963delT).
Protein change: p.Ile322fs; shifts the reading frame from isoleucine 322.
Molecular consequence: frameshift variant.
Genome position (GRCh38, 1-based): chr4:106,244,733, A deleted on the plus strand (T on the coding strand, the reverse complement: TBCK is on the minus strand). VCF-style (leftmost placement, unchanged base first): chr4-106244732-TA-T. GRCh37 (hg19) VCF-style: chr4-107165889-TA-T.
Other names: c.963del, p.Ile322fs (NM_001163436.4); c.846del, p.Ile283fs (NM_001163437.3); c.447del, p.Ile150fs (NM_001290768.2); c.774del, p.Ile259fs (NM_033115.5); short protein forms I259fs, I283fs, I322fs, I150fs.
Identifiers: ClinVar variation 3675773 (VCV003675773.2).
Genomic context (GRCh38, chr4:106,244,732, plus strand): 5'-TGACAAGCTCTTTCTCCAAGTCACCTCCAGCCAAACACCAAAGGTAATACACTTCTTCAA[TA>T]GATCTTTCTGCCAGGTAATCATTATTTATATCTATTAAAAGCAAATTTAAGGAATCATTG-3'